The following is an entry in ClinVar:

ClinVar aggregate classification (germline): Uncertain significance (1 of 4 stars; one submission).

Allele frequency attached by ClinVar (database versions not stated): gnomAD exomes below 0.00001; TOPMed below 0.00001; gnomAD 0.00001.
gnomAD v4.1: 8 of 1,614,088 alleles (0.0005%); highest among the groups gnomAD compares: Non-Finnish European, 0.00068%; no homozygotes.

Submission:

GeneDx
Classification: Uncertain significance. Last evaluated: 2020-06-02. Review status: criteria provided, single submitter. Criteria: GeneDx Variant Classification Process June 2021. Collection method: clinical testing. Allele origin: germline. Affected: yes.
Comment: In silico analysis, which includes protein predictors and evolutionary conservation, supports that this variant does not alter protein structure/function; Has not been previously published as pathogenic or benign to our knowledge

NM_183357.3(ADCY5):c.1723C>A (p.Leu575Ile)

Gene: ADCY5 (adenylate cyclase 5; minus strand). Cytogenetic location: 3q21.1.
Variant type: single nucleotide variant.
Coding change: c.1723C>A on transcript NM_183357.3 (MANE Select); coding-DNA position 1723, C replaced by A.
Protein change: p.Leu575Ile; replaces leucine 575 with isoleucine.
Molecular consequence: missense variant.
Genome position (GRCh38, 1-based): chr3:123,328,726, G>T on the plus strand (C>A on the coding strand, the complement: ADCY5 is on the minus strand). VCF-style: chr3-123328726-G-T. GRCh37 (hg19) VCF-style: chr3-123047573-G-T.
Other names: c.673C>A, p.Leu225Ile (NM_001199642.1); c.1723C>A, p.Leu575Ile (NM_001378259.1); short protein forms L225I, L575I.
Identifiers: ClinVar variation 1304150 (VCV001304150.2), dbSNP rs1282047659, ClinGen allele CA354219584.